The following is an entry in ClinVar:

NM_020812.4(DOCK6):c.1609G>A (p.Ala537Thr)

Gene: DOCK6 (dedicator of cytokinesis 6; minus strand). Cytogenetic location: 19p13.2.
Variant type: single nucleotide variant.
Coding change: c.1609G>A on transcript NM_020812.4 (MANE Select); coding-DNA position 1609, G replaced by A.
Protein change: p.Ala537Thr; replaces alanine 537 with threonine.
Molecular consequence: missense variant.
Genome position (GRCh38, 1-based): chr19:11,242,079, C>T on the plus strand (G>A on the coding strand, the complement: DOCK6 is on the minus strand). VCF-style: chr19-11242079-C-T. GRCh37 (hg19) VCF-style: chr19-11352755-C-T.
Other names: c.1609G>A, p.Ala537Thr (NM_001367830.1); c.1609G>A (NM_020812.2); short protein forms A537T.
Identifiers: ClinVar variation 1988121 (VCV001988121.4), dbSNP rs541982383, ClinGen allele CA9208085.

ClinVar aggregate classification (germline): Uncertain significance. Review status: criteria provided, multiple submitters, no conflicts (2 of 4 stars). 3 submissions from 3 submitters: Uncertain significance (3). Last evaluated 2025-12-24.

Conditions:
Inborn genetic diseases. Identifiers: MedGen C0950123, MeSH D030342.

Allele frequency attached by ClinVar (database versions not stated): 1000 Genomes Project 0.00040; gnomAD 0.00002; ExAC 0.00009; 1000 Genomes Project 30x 0.00031.

Submissions (3):

Dasa
Classification: Uncertain significance. Last evaluated: 2025-12-24. Review status: criteria provided, single submitter. Criteria: DASA Assertion Criteria. Collection method: clinical testing. Allele origin: germline.
Comment: NM_020812.4(DOCK6):c.1609G>A (p.Ala537Thr) is a missense variant that results in the substitution of alanine with threonine. This variant is rare in population databases. Computational prediction algorithms are consistent with a benign effect. The currently available literature and clinical evidence are not sufficient to establish a definitive association between this variant and the reported condition. Therefore, this variant is classified as a variant of uncertain significance.

Ambry Genetics
Classification: Uncertain significance for Inborn genetic diseases. Last evaluated: 2024-11-21. Review status: criteria provided, single submitter. Criteria: Ambry Variant Classification Scheme 2023. Collection method: clinical testing. Allele origin: germline.

Labcorp Genetics (formerly Invitae), Labcorp
Classification: Uncertain significance. Last evaluated: 2021-12-30. Review status: criteria provided, single submitter. Criteria: Invitae Variant Classification Sherloc (09022015). Collection method: clinical testing. Allele origin: germline.
Comment: This sequence change replaces alanine, which is neutral and non-polar, with threonine, which is neutral and polar, at codon 537 of the DOCK6 protein (p.Ala537Thr). This variant is present in population databases (rs541982383, gnomAD 0.03%). This variant has not been reported in the literature in individuals affected with DOCK6-related conditions. Algorithms developed to predict the effect of missense changes on protein structure and function output the following: SIFT: "Tolerated"; PolyPhen-2: "Benign"; Align-GVGD: "Class C0". The threonine amino acid residue is found in multiple mammalian species, which suggests that this missense change does not adversely affect protein function. In summary, the available evidence is currently insufficient to determine the role of this variant in disease. Therefore, it has been classified as a Variant of Uncertain Significance.